The following is an entry in ClinVar:

NM_001079872.2(CUL4B):c.889G>A (p.Val297Ile)

Gene: CUL4B (cullin 4B; minus strand). Cytogenetic location: Xq24.
Variant type: single nucleotide variant.
Coding change: c.889G>A on transcript NM_001079872.2 (MANE Select); coding-DNA position 889, G replaced by A.
Protein change: p.Val297Ile; replaces valine 297 with isoleucine.
Molecular consequence: missense variant.
Genome position (GRCh38, 1-based): chrX:120,545,475, C>T on the plus strand (G>A on the coding strand, the complement: CUL4B is on the minus strand). VCF-style: chrX-120545475-C-T. GRCh37 (hg19) VCF-style: chrX-119679330-C-T.
Other names: c.904G>A, p.Val302Ile (NM_001330624.2); c.355G>A, p.Val119Ile (NM_001369145.1); c.943G>A, p.Val315Ile (NM_003588.4); short protein forms V119I, V297I, V302I, V315I.
Identifiers: ClinVar variation 646026 (VCV000646026.9), dbSNP rs367660624, ClinGen allele CA10505615.

ClinVar aggregate classification (germline): Uncertain significance. Review status: criteria provided, multiple submitters, no conflicts (2 of 4 stars). 3 submissions from 3 submitters: Uncertain significance (2). 1 of the submissions does not count toward it. Last evaluated 2024-06-20.

Conditions:
X-linked intellectual disability Cabezas type (MRXSC). Also called: Intellectual developmental disorder, X-linked syndromic, Cabezas type; CABEZAS SYNDROME; MENTAL RETARDATION, X-LINKED, SYNDROMIC 15. Identifiers: Orphanet 85289, Orphanet 85293, MedGen C1845861, MONDO:0010306, OMIM 300354.
CUL4B-related disorder. Also called: CUL4B-related condition.

Allele frequency attached by ClinVar (database versions not stated): gnomAD exomes 0.00001 and 0.00002; ExAC 0.00004; ESP Exome Variant Server 0.00010; TOPMed 0.00002; gnomAD 0.00001.
gnomAD v4.1: 9 of 1,179,020 alleles (0.00076%); highest among the groups gnomAD compares: Admixed American, 0.0047%; no homozygotes.

Submissions (3):

Labcorp Genetics (formerly Invitae), Labcorp
Classification: Uncertain significance for X-linked intellectual disability Cabezas type. Last evaluated: 2024-06-20. Review status: criteria provided, single submitter. Criteria: Invitae Variant Classification Sherloc (09022015). Collection method: clinical testing. Allele origin: germline.
Comment: This sequence change replaces valine, which is neutral and non-polar, with isoleucine, which is neutral and non-polar, at codon 315 of the CUL4B protein (p.Val315Ile). This variant is present in population databases (rs367660624, gnomAD 0.01%). This variant has not been reported in the literature in individuals affected with CUL4B-related conditions. ClinVar contains an entry for this variant (Variation ID: 646026). Advanced modeling of protein sequence and biophysical properties (such as structural, functional, and spatial information, amino acid conservation, physicochemical variation, residue mobility, and thermodynamic stability) performed at Invitae indicates that this missense variant is not expected to disrupt CUL4B protein function with a negative predictive value of 80%. In summary, the available evidence is currently insufficient to determine the role of this variant in disease. Therefore, it has been classified as a Variant of Uncertain Significance.

GeneDx
Classification: Uncertain significance. Last evaluated: 2023-12-28. Review status: criteria provided, single submitter. Criteria: GeneDx Variant Classification Process June 2021. Collection method: clinical testing. Allele origin: germline. Affected: yes.
Comment: In silico analysis supports that this missense variant does not alter protein structure/function; Has not been previously published as pathogenic or benign to our knowledge

PreventionGenetics, part of Exact Sciences
Classification: Uncertain significance for CUL4B-related condition. Last evaluated: 2024-07-29. Review status: no assertion criteria provided. Collection method: clinical testing. Allele origin: germline. Not counted in ClinVar's aggregate classification.
Comment: The CUL4B c.943G>A variant is predicted to result in the amino acid substitution p.Val315Ile. To our knowledge, this variant has not been reported in the literature. This variant is reported in 0.0096% of alleles in individuals of African descent in gnomAD. At this time, the clinical significance of this variant is uncertain due to the absence of conclusive functional and genetic evidence.